The following is an entry in ClinVar:

ClinVar aggregate classification (germline): Uncertain significance. Review status: criteria provided, multiple submitters, no conflicts (2 of 4 stars). 6 submissions from 6 submitters: Uncertain significance (6). Last evaluated 2025-12-19.

Conditions:
ATM-related cancer predisposition. Also called: ATM-related cancer susceptibility. Identifiers: MedGen CN377759, MONDO:0700270.
Ataxia-telangiectasia syndrome (AT). Also called: Ataxia-telangiectasia, complementation group D; AT, COMPLEMENTATION GROUP C; Cerebello-oculocutaneous telangiectasia; Immunodeficiency with ataxia telangiectasia; LOUIS-BAR SYNDROME; Ataxia telangiectasia (A-T). Identifiers: Orphanet 100, MedGen C0004135, MONDO:0008840, OMIM 208900.
Hereditary cancer-predisposing syndrome. Also called: Hereditary neoplastic syndrome; Neoplastic Syndromes, Hereditary; Hereditary Cancer Syndrome; Tumor predisposition. Identifiers: Orphanet 140162, MedGen C0027672, MeSH D009386, MONDO:0015356.

Submissions (6):

Dasa
Classification: Uncertain significance for ATM-related cancer predisposition. Last evaluated: 2025-12-19. Review status: criteria provided, single submitter. Criteria: DASA Assertion Criteria. Collection method: clinical testing. Allele origin: germline.
Comment: NM_000051.4(ATM):c.421T>G (p.Cys141Gly) is a missense variant that results in the substitution of cysteine with glycine. This variant is absent from population databases. The currently available literature and clinical evidence are not sufficient to establish a definitive association between this variant and the reported condition. Therefore, this variant is classified as a variant of uncertain significance.

Blueprint Genetics
Classification: Uncertain significance. Last evaluated: 2024-10-16. Review status: criteria provided, single submitter. Criteria: ACMG Guidelines, 2015. Collection method: clinical testing. Allele origin: germline.

Ambry Genetics
Classification: Uncertain significance for Hereditary cancer-predisposing syndrome. Last evaluated: 2024-01-17. Review status: criteria provided, single submitter. Criteria: Ambry Variant Classification Scheme 2023. Collection method: clinical testing. Allele origin: germline.
Comment: The p.C141G variant (also known as c.421T>G), located in coding exon 4 of the ATM gene, results from a T to G substitution at nucleotide position 421. The cysteine at codon 141 is replaced by glycine, an amino acid with highly dissimilar properties. This amino acid position is not well conserved in available vertebrate species. In addition, this alteration is predicted to be tolerated by in silico analysis. Since supporting evidence is limited at this time, the clinical significance of this alteration remains unclear.

Labcorp Genetics (formerly Invitae), Labcorp
Classification: Uncertain significance for Ataxia-telangiectasia syndrome. Last evaluated: 2022-04-01. Review status: criteria provided, single submitter. Criteria: Invitae Variant Classification Sherloc (09022015). Collection method: clinical testing. Allele origin: germline.
Comment: In summary, the available evidence is currently insufficient to determine the role of this variant in disease. Therefore, it has been classified as a Variant of Uncertain Significance. Advanced modeling of protein sequence and biophysical properties (such as structural, functional, and spatial information, amino acid conservation, physicochemical variation, residue mobility, and thermodynamic stability) performed at Invitae indicates that this missense variant is not expected to disrupt ATM protein function. ClinVar contains an entry for this variant (Variation ID: 573813). This variant has not been reported in the literature in individuals affected with ATM-related conditions. This variant is not present in population databases (gnomAD no frequency). This sequence change replaces cysteine, which is neutral and slightly polar, with glycine, which is neutral and non-polar, at codon 141 of the ATM protein (p.Cys141Gly).

GeneDx
Classification: Uncertain significance. Last evaluated: 2020-03-16. Review status: criteria provided, single submitter. Criteria: GeneDx Variant Classification Process June 2021. Collection method: clinical testing. Allele origin: germline. Affected: yes.
Comment: Not observed in large population cohorts (Lek 2016); In silico analysis supports that this missense variant has a deleterious effect on protein structure/function; Has not been previously published as pathogenic or benign to our knowledge

Athena Diagnostics
Classification: Uncertain significance. Last evaluated: 2020-03-10. Review status: criteria provided, single submitter. Criteria: Athena Diagnostics Criteria. Collection method: clinical testing. Allele origin: unknown.

NM_000051.4(ATM):c.421T>G (p.Cys141Gly)

Gene: ATM (ATM serine/threonine kinase; plus strand). Cytogenetic location: 11q22.3.
Variant type: single nucleotide variant.
Coding change: c.421T>G on transcript NM_000051.4 (MANE Select); coding-DNA position 421, T replaced by G.
Protein change: p.Cys141Gly; replaces cysteine 141 with glycine.
Molecular consequence: missense variant.
Genome position (GRCh38, 1-based): chr11:108,235,759, T>G. VCF-style: chr11-108235759-T-G. GRCh37 (hg19) VCF-style: chr11-108106486-T-G.
Other names: c.421T>G, p.Cys141Gly (NM_001351834.2); short protein forms C141G.
Identifiers: ClinVar variation 573813 (VCV000573813.21), dbSNP rs1565357020, ClinGen allele CA382525112.